The following is an entry in ClinVar:

ClinVar aggregate classification (germline): Uncertain significance (1 of 4 stars; one submission).

Conditions:
Tuberous sclerosis 1 (TSC1). Identifiers: Orphanet 805, MedGen C1854465, MONDO:0008612, OMIM 191100.

Submission:

Labcorp Genetics (formerly Invitae), Labcorp
Classification: Uncertain significance for Tuberous sclerosis 1. Last evaluated: 2020-11-23. Review status: criteria provided, single submitter. Criteria: Invitae Variant Classification Sherloc (09022015). Collection method: clinical testing. Allele origin: germline.
Comment: In summary, the available evidence is currently insufficient to determine the role of this variant in disease. Therefore, it has been classified as a Variant of Uncertain Significance. Algorithms developed to predict the effect of missense changes on protein structure and function output the following: SIFT: "Tolerated"; PolyPhen-2: "Benign"; Align-GVGD: "Class C0". The glutamine amino acid residue is found in multiple mammalian species, suggesting that this missense change does not adversely affect protein function. These predictions have not been confirmed by published functional studies and their clinical significance is uncertain. This variant has not been reported in the literature in individuals with TSC1-related conditions. This variant is not present in population databases (ExAC no frequency). This sequence change replaces histidine with glutamine at codon 618 of the TSC1 protein (p.His618Gln). The histidine residue is weakly conserved and there is a small physicochemical difference between histidine and glutamine.

NM_000368.5(TSC1):c.1854T>G (p.His618Gln)

Gene: TSC1 (TSC complex subunit 1; minus strand). Cytogenetic location: 9q34.13.
Variant type: single nucleotide variant.
Coding change: c.1854T>G on transcript NM_000368.5 (MANE Select); coding-DNA position 1854, T replaced by G.
Protein change: p.His618Gln; replaces histidine 618 with glutamine.
Molecular consequence: missense variant.
Genome position (GRCh38, 1-based): chr9:132,905,724, A>C on the plus strand (T>G on the coding strand, the complement: TSC1 is on the minus strand). VCF-style: chr9-132905724-A-C. GRCh37 (hg19) VCF-style: chr9-135781111-A-C.
Other names: c.1851T>G, p.His617Gln (NM_001162426.2); c.1701T>G, p.His567Gln (NM_001162427.2); c.1491T>G, p.His497Gln (NM_001362177.2); short protein forms H497Q, H567Q, H618Q, H617Q.
Identifiers: ClinVar variation 1350385 (VCV001350385.8), dbSNP rs2131818460, ClinGen allele CA375363126.
Genomic context (GRCh38, chr9:132,905,724, plus strand): 5'-ATCTTCCTCTGTGTTTCCTTTTGCTTTCTTTAACAGCTCCTCAGTCTTCCTGATGACAAA[A>C]TGATGGGCTGTCTTTGGCAATGCCACCTCAAAAAGATGATCATACGGGGGAGGCTGCCCG-3'
Protein context (NP_000359.1, residues 608-628): FEVALPKTAH[His618Gln]FVIRKTEELL